The following continues an entry in ClinVar:

NM_002485.5(NBN):c.698_701del (p.Lys233fs)

Gene: NBN. ClinVar aggregate classification (germline): Pathogenic. Pathogenic (11).

Submissions 12 to 15 of 15:

PreventionGenetics, part of Exact Sciences
Classification: Pathogenic for NBN-related condition. Last evaluated: 2024-09-13. Review status: no assertion criteria provided. Collection method: clinical testing. Allele origin: germline. Not counted in ClinVar's aggregate classification.
Comment: The NBN c.698_701delAACA variant is predicted to result in a frameshift and premature protein termination (p.Lys233Serfs*5). This variant has been reported in a patient with Nijmemgen breakage syndrome (Varon et al. 1998. PubMed ID: 9590180) and in individuals with various cancers, including breast and skin, prostate, or ovarian cancers (for example, Gass et al. 2017. PubMed ID: 28374160; Supplementary Table, Lerner-Ellis. 2020. PubMed ID: 32885271; Table S7, Lilyquist. 2017. PubMed ID: 28888541). This variant is reported in 0.0062% of alleles in individuals of African descent in gnomAD, and has been interpreted as pathogenic in ClinVar. Frameshift variants in NBN are expected to be pathogenic. This variant is interpreted as pathogenic.

OMIM
Classification: Pathogenic for NIJMEGEN BREAKAGE SYNDROME. Last evaluated: 1998-05-01. Review status: no assertion criteria provided. Collection method: literature only. Allele origin: germline. Not counted in ClinVar's aggregate classification.

Department of Pathology and Laboratory Medicine, Sinai Health System
Classification: Pathogenic for Malignant tumor of breast. Review status: no assertion criteria provided. Collection method: clinical testing. Allele origin: unknown. Affected: yes. Observed: 3 variant alleles. Study: The Canadian Open Genetics Repository (COGR). Not counted in ClinVar's aggregate classification.
Comment: The NBN p.Lys233SerfsX5 variant was identified in 2 of 7792 proband chromosomes (frequency: 0.00026) from individuals or families with hereditary breast and ovarian cancer (Li_2015, Ramus_2015). The variant was also identified in dbSNP (ID: rs587780100) as â€šÃ„ÃºWith Pathogenic alleleâ€šÃ„Ã¹, ClinVar (as pathogenic by GeneDx, Ambry Genetics, University of Chicago, Invitae, Color Genomics, OMIM and GeneReviews), Clinvitae (3x as in ClinVar), LOVD 3.0, and Zhejiang Colon Cancer Database. The variant was not identified in Cosmic database. The variant was identified in control databases in 5 of 245144 chromosomes at a frequency of 0.00002 (Genome Aggregation Database Feb 27, 2017). It was observed in the following populations: African in 1 of 15226 chromosomes (freq: 0.000066), European (Non-Finnish) in 4 of 111062 chromosomes (freq: 0.000036), but it was not observed in the Ashkenazi Jewish, East Asian, European (Finnish), Latino, Other, and South Asian populations. The variant has been reported in families with Nijmegen Breakage Syndrome as well as in individuals with hereditary breast and ovarian cancer (HBOC), and is reported as a variant of English origin (Cybulski_2013, Meyer_2004, Varon_1998). The p.Lys233SerfsX5 variant is predicted to cause a frameshift, which alters the protein's amino acid sequence beginning at codon 233 and leads to a premature stop codon at position 237. This alteration is then predicted to result in a truncated or absent protein and loss of function. Loss of function variants of the NBN gene are an established mechanism of disease in HBOC and is the type of variant expected to cause the disorder. In summary, based on the above information this variant meets our laboratoryâ€šÃ„Ã´s criteria to be classified as pathogenic.

GeneReviews
No classification provided. Condition: Microcephaly, normal intelligence and immunodeficiency. Review status: no classification provided. Collection method: literature only. Allele origin: germline. Not counted in ClinVar's aggregate classification.

Literature cited by the submitters: PubMed 9590180 (cited by 6 submitters); PubMed 16415040 (cited by Labcorp Genetics (formerly Invitae), Labcorp); PubMed 15474156 (cited by 3 submitters); PubMed 26315354 (cited by 3 submitters); PubMed 26534844 (cited by 3 submitters); PubMed 26681312 (cited by 3 submitters); PubMed 28152038 (cited by Ambry Genetics); PubMed 28374160 (cited by 3 submitters); PubMed 10799436 (cited by Quest Diagnostics Nichols Institute San Juan Capistrano); PubMed 30043523 (cited by Quest Diagnostics Nichols Institute San Juan Capistrano); PubMed 29915322 (cited by Quest Diagnostics Nichols Institute San Juan Capistrano); PubMed 29961768 (cited by Quest Diagnostics Nichols Institute San Juan Capistrano); PubMed 28888541 (cited by Quest Diagnostics Nichols Institute San Juan Capistrano); NCBI Bookshelf NBK1176 (cited by GeneReviews).